The following is an entry in ClinVar:

NM_006231.4(POLE):c.4025C>A (p.Ala1342Asp)

Gene: POLE (DNA polymerase epsilon, catalytic subunit; minus strand). Cytogenetic location: 12q24.33.
Variant type: single nucleotide variant.
Coding change: c.4025C>A on transcript NM_006231.4 (MANE Select); coding-DNA position 4025, C replaced by A.
Protein change: p.Ala1342Asp; replaces alanine 1342 with aspartic acid.
Molecular consequence: missense variant.
Genome position (GRCh38, 1-based): chr12:132,649,053, G>T on the plus strand (C>A on the coding strand, the complement: POLE is on the minus strand). VCF-style: chr12-132649053-G-T. GRCh37 (hg19) VCF-style: chr12-133225639-G-T.
Other names: short protein forms A1342D.
Identifiers: ClinVar variation 4796975 (VCV004796975.1).

ClinVar aggregate classification (germline): Uncertain significance (1 of 4 stars; one submission).

Submission:

Labcorp Genetics (formerly Invitae), Labcorp
Classification: Uncertain significance. Last evaluated: 2025-02-05. Review status: criteria provided, single submitter. Criteria: Invitae Variant Classification Sherloc (09022015). Collection method: clinical testing. Allele origin: germline.
Comment: This sequence change replaces alanine, which is neutral and non-polar, with aspartic acid, which is acidic and polar, at codon 1342 of the POLE protein (p.Ala1342Asp). This variant is not present in population databases (gnomAD no frequency). This variant has not been reported in the literature in individuals affected with POLE-related conditions. Invitae Evidence Modeling of protein sequence and biophysical properties (such as structural, functional, and spatial information, amino acid conservation, physicochemical variation, residue mobility, and thermodynamic stability) indicates that this missense variant is not expected to disrupt POLE protein function with a negative predictive value of 80%. In summary, the available evidence is currently insufficient to determine the role of this variant in disease. Therefore, it has been classified as a Variant of Uncertain Significance.